The following is an entry in ClinVar:

NM_006642.5(SDCCAG8):c.740+350A>C

Gene: SDCCAG8 (SHH signaling and ciliogenesis regulator SDCCAG8; plus strand). Cytogenetic location: 1q43.
Variant type: single nucleotide variant.
Coding change: c.740+350A>C on transcript NM_006642.5 (MANE Select); 350 bases into the intron after coding-DNA position 740, A replaced by C.
Molecular consequence: intron variant. On other transcripts: 5 prime UTR variant (1).
Genome position (GRCh38, 1-based): chr1:243,305,127, A>C. VCF-style: chr1-243305127-A-C. GRCh37 (hg19) VCF-style: chr1-243468429-A-C.
Other names: c.-422A>C (NM_001350251.2); c.446+350A>C (NM_001350249.2); c.836+350A>C (NM_001350248.2); c.-261+4A>C (NM_001350246.2); c.-261+350A>C (NM_001350247.2).
Identifiers: ClinVar variation 3356017 (VCV003356017.1).

ClinVar aggregate classification (germline): Likely benign (0 of 4 stars; one submission).

Conditions:
SDCCAG8-related disorder. Also called: SDCCAG8-Related Disorders; SDCCAG8-related condition.

Submission:

PreventionGenetics, part of Exact Sciences
Classification: Likely benign for SDCCAG8-related condition. Last evaluated: 2023-03-16. Review status: no assertion criteria provided. Collection method: clinical testing. Allele origin: germline.
Comment: This variant is classified as likely benign based on ACMG/AMP sequence variant interpretation guidelines (Richards et al. 2015 PMID: 25741868, with internal and published modifications).